The following is an entry in ClinVar:

ClinVar aggregate classification (germline): Uncertain significance (1 of 4 stars; one submission).

Conditions:
Brachyolmia-amelogenesis imperfecta syndrome. Also called: PLATYSPONDYLY WITH AMELOGENESIS IMPERFECTA; Tooth agenesis, selective, 6; Dental anomalies and short stature. Identifiers: Orphanet 2899, MedGen C1832594, MONDO:0011018, OMIM 601216. Disease mechanism: loss of function.

gnomAD v4.1: 1 of 1,602,196 alleles (0.000062%); no homozygotes.

Submission:

Labcorp Genetics (formerly Invitae), Labcorp
Classification: Uncertain significance for Brachyolmia-amelogenesis imperfecta syndrome. Last evaluated: 2023-11-03. Review status: criteria provided, single submitter. Criteria: Invitae Variant Classification Sherloc (09022015). Collection method: clinical testing. Allele origin: germline.
Comment: This sequence change replaces glycine, which is neutral and non-polar, with aspartic acid, which is acidic and polar, at codon 751 of the LTBP3 protein (p.Gly751Asp). This variant is not present in population databases (gnomAD no frequency). This variant has not been reported in the literature in individuals affected with LTBP3-related conditions. An algorithm developed to predict the effect of missense changes on protein structure and function (PolyPhen-2) suggests that this variant is likely to be tolerated. In summary, the available evidence is currently insufficient to determine the role of this variant in disease. Therefore, it has been classified as a Variant of Uncertain Significance.

NM_001130144.3(LTBP3):c.2252G>A (p.Gly751Asp)

Genes: LTBP3 (latent transforming growth factor beta binding protein 3; minus strand), LOC130006029 (ATAC-STARR-seq lymphoblastoid silent region 3532; plus strand). Cytogenetic location: 11q13.1.
Variant type: single nucleotide variant.
Coding change: c.2252G>A on transcript NM_001130144.3 (MANE Select); coding-DNA position 2252, G replaced by A.
Protein change: p.Gly751Asp; replaces glycine 751 with aspartic acid.
Molecular consequence: missense variant.
Genome position (GRCh38, 1-based): chr11:65,546,543, C>T on the plus strand (G>A on the coding strand, the complement: LTBP3 is on the minus strand). VCF-style: chr11-65546543-C-T. GRCh37 (hg19) VCF-style: chr11-65314014-C-T.
Other names: c.1901G>A, p.Gly634Asp (NM_001164266.1); c.2252G>A, p.Gly751Asp (NM_021070.4); short protein forms G751D, G634D.
Identifiers: ClinVar variation 2770799 (VCV002770799.3), dbSNP rs2496147872, ClinGen allele CA381269785.